The following is an entry in ClinVar:

ClinVar aggregate classification (germline): Uncertain significance (1 of 4 stars; one submission).

Submission:

Labcorp Genetics (formerly Invitae), Labcorp
Classification: Uncertain significance. Last evaluated: 2025-02-17. Review status: criteria provided, single submitter. Criteria: Invitae Variant Classification Sherloc (09022015). Collection method: clinical testing. Allele origin: germline.
Comment: This sequence change replaces serine, which is neutral and polar, with alanine, which is neutral and non-polar, at codon 108 of the FBLN5 protein (p.Ser108Ala). This variant is not present in population databases (gnomAD no frequency). This variant has not been reported in the literature in individuals affected with FBLN5-related conditions. An algorithm developed to predict the effect of missense changes on protein structure and function outputs the following: PolyPhen-2: "Benign". The alanine amino acid residue is found in multiple mammalian species, which suggests that this missense change does not adversely affect protein function. In summary, the available evidence is currently insufficient to determine the role of this variant in disease. Therefore, it has been classified as a Variant of Uncertain Significance.

NM_006329.4(FBLN5):c.322T>G (p.Ser108Ala)

Gene: FBLN5 (fibulin 5; minus strand). Cytogenetic location: 14q32.12.
Variant type: single nucleotide variant.
Coding change: c.322T>G on transcript NM_006329.4 (MANE Select); coding-DNA position 322, T replaced by G.
Protein change: p.Ser108Ala; replaces serine 108 with alanine.
Molecular consequence: missense variant.
Genome position (GRCh38, 1-based): chr14:91,937,004, A>C on the plus strand (T>G on the coding strand, the complement: FBLN5 is on the minus strand). VCF-style: chr14-91937004-A-C. GRCh37 (hg19) VCF-style: chr14-92403348-A-C.
Other names: c.445T>G, p.Ser149Ala (NM_001384158.1); c.373T>G, p.Ser125Ala (NM_001384159.1); c.322T>G, p.Ser108Ala (NM_001384160.1); c.154T>G, p.Ser52Ala (NM_001384161.1, NM_001384162.1); short protein forms S108A, S149A, S52A, S125A.
Identifiers: ClinVar variation 4713283 (VCV004713283.1).
Genomic context (GRCh38, chr14:91,937,004, plus strand): 5'-CACCCACACATTGGTTGCTTTCATCCATCTGGTATCCAAAGCGGCATATAAGAGGCCTGG[A>C]GATCGTGGGATAGTTTGGAGCTGAGAGTGGTGGGGCAGCTGCTGGGTACGGACCTGAGTA-3'
Protein context (NP_006320.2, residues 98-118): PLSAPNYPTI[Ser108Ala]RPLICRFGYQ